The following is an entry in ClinVar:

NM_138694.4(PKHD1):c.893_895del (p.Asp298_Ile299delinsVal)

Gene: PKHD1 (PKHD1 ciliary IPT domain containing fibrocystin/polyductin; minus strand). Cytogenetic location: 6p12.2.
Variant type: Deletion.
Coding change: c.893_895del on transcript NM_138694.4 (MANE Select); coding-DNA positions 893 to 895, 3 bases deleted (ATA; older notation c.893_895delATA).
Protein change: p.Asp298_Ile299delinsVal.
Molecular consequence: inframe indel.
Genome position (GRCh38, 1-based): chr6:52,065,036-52,065,038, TAT deleted on the plus strand (ATA on the coding strand, the reverse complement: PKHD1 is on the minus strand). VCF-style (leftmost placement, unchanged base first): chr6-52065035-ATAT-A. GRCh37 (hg19) VCF-style: chr6-51929833-ATAT-A.
Other names: c.893_895del, p.Asp298_Ile299delinsVal (NM_170724.3); c.893_895delATA (NM_138694.4).
Identifiers: ClinVar variation 2637849 (VCV002637849.3), dbSNP rs2533479691, ClinGen allele CA2695198883.
Genomic context (GRCh38, chr6:52,065,035, plus strand): 5'-CTCACATCTTTTCCTGGAGCCCGAGTGGTGCACTCAATCTTCCTGGGAGACACGTGTCTA[ATAT>A]CACATGGAATGCCTAAAGCGAATTAAAGAAATTTATGTATGTGTGTGTGTGTAGGTATAC-3'

ClinVar aggregate classification (germline): Uncertain significance. Review status: criteria provided, multiple submitters, no conflicts (2 of 4 stars). 2 submissions from 2 submitters: Uncertain significance (2). Last evaluated 2025-08-17.

Submissions (2):

Dasa
Classification: Uncertain significance. Last evaluated: 2025-08-17. Review status: criteria provided, single submitter. Criteria: DASA Assertion Criteria. Collection method: clinical testing. Allele origin: germline.
Comment: NM_138694.4(PKHD1):c.893_895del (p.Asp298_Ile299delinsVal) is an in-frame insertion/deletion-insertion predicted to alter the protein sequence without shifting the reading frame. This variant is absent from population databases. The currently available literature and clinical evidence are not sufficient to establish a definitive association between this variant and the reported condition. Therefore, this variant is classified as a variant of uncertain significance.

Women's Health and Genetics/Laboratory Corporation of America, LabCorp
Classification: Uncertain significance. Last evaluated: 2023-10-20. Review status: criteria provided, single submitter. Criteria: LabCorp Variant Classification Summary - May 2015. Collection method: clinical testing. Allele origin: germline.
Comment: Variant summary: PKHD1 c.893_895delATA (p.Asp298_Ile299delinsVal) results in an in-frame deletion-insertion that is predicted to delete two amino acids (DI) from the protein and changes it with a different amino acid (V). Consensus agreement among computation tools predict no significant impact on normal splicing. However, these predictions have yet to be confirmed by functional studies. The variant was absent in 250714 control chromosomes (gnomAD). The available data on variant occurrences in the general population are insufficient to allow any conclusion about variant significance. c.893_895delATA has been reported in the literature in at-least one individual from a Autosomal recessive polycystic kidney disease cohort study, however, authors classified the variant as VUS (example: Burgmaier_2021). This report does not provide unequivocal conclusions about association of the variant with Polycystic Kidney And Hepatic Disease. The following publication has been ascertained in the context of this evaluation (PMID: 33940108). To our knowledge, no experimental evidence demonstrating an impact on protein function has been reported. No submitters have cited clinical-significance assessments for this variant to ClinVar after 2014. Based on the evidence outlined above, the variant was classified as uncertain significance.

Literature cited by the submitters: PubMed 33940108 (cited by Women's Health and Genetics/Laboratory Corporation of America, LabCorp).